The following is an entry in ClinVar:

NM_000465.4(BARD1):c.476G>A (p.Ser159Asn)

Gene: BARD1 (BRCA1 associated RING domain 1; minus strand). Cytogenetic location: 2q35.
Variant type: single nucleotide variant.
Coding change: c.476G>A on transcript NM_000465.4 (MANE Select); coding-DNA position 476, G replaced by A.
Protein change: p.Ser159Asn; replaces serine 159 with asparagine.
Molecular consequence: missense variant. On other transcripts: non-coding transcript variant (2), intron variant (3).
Genome position (GRCh38, 1-based): chr2:214,781,398, C>T on the plus strand (G>A on the coding strand, the complement: BARD1 is on the minus strand). VCF-style: chr2-214781398-C-T. GRCh37 (hg19) VCF-style: chr2-215646122-C-T.
Other names: c.419G>A, p.Ser140Asn (NM_001282543.2); c.158+28014G>A (NM_001282548.2); c.215+15663G>A (NM_001282545.2); c.364+10899G>A (NM_001282549.2); short protein forms S159N, S140N.
Identifiers: ClinVar variation 186797 (VCV000186797.27), dbSNP rs786203226, ClinGen allele CA195899.

ClinVar aggregate classification (germline): Conflicting classifications of pathogenicity. Review status: criteria provided, conflicting classifications (1 of 4 stars). 5 submissions from 5 submitters: Uncertain significance (4); Likely benign (1). Last evaluated 2026-01-07.

Conditions:
Hereditary cancer-predisposing syndrome. Also called: Neoplastic Syndromes, Hereditary; Tumor predisposition; Hereditary Cancer Syndrome; Hereditary neoplastic syndrome. Identifiers: Orphanet 140162, MedGen C0027672, MeSH D009386, MONDO:0015356.
Familial cancer of breast. Also called: BREAST CANCER, FAMILIAL; Hereditary breast cancer; hereditary breast carcinoma. Identifiers: Orphanet 227535, MedGen C0346153, MONDO:0016419, OMIM 114480. Disease mechanism: loss of function.

Allele frequency attached by ClinVar (database versions not stated): gnomAD exomes below 0.00001 and 0.00003; gnomAD 0.00002; TOPMed 0.00003.
gnomAD v4.1: 42 of 1,613,556 alleles (0.0026%); highest among the groups gnomAD compares: Non-Finnish European, 0.0034%; no homozygotes.

Submissions (5):

Labcorp Genetics (formerly Invitae), Labcorp
Classification: Uncertain significance for Familial cancer of breast. Last evaluated: 2026-01-07. Review status: criteria provided, single submitter. Criteria: Invitae Variant Classification Sherloc (09022015). Collection method: clinical testing. Allele origin: germline.
Comment: This sequence change replaces serine, which is neutral and polar, with asparagine, which is neutral and polar, at codon 159 of the BARD1 protein (p.Ser159Asn). This variant is present in population databases (rs786203226, gnomAD 0.0009%). This variant has not been reported in the literature in individuals affected with BARD1-related conditions. ClinVar contains an entry for this variant (Variation ID: 186797). An algorithm developed to predict the effect of missense changes on protein structure and function outputs the following: PolyPhen-2: "Benign". The asparagine amino acid residue is found in multiple mammalian species, which suggests that this missense change does not adversely affect protein function. RNA analysis performed to evaluate the impact of this missense change on mRNA splicing indicates it does not significantly alter splicing (internal data). In summary, the available evidence is currently insufficient to determine the role of this variant in disease. Therefore, it has been classified as a Variant of Uncertain Significance.

Color Diagnostics, LLC DBA Color Health
Classification: Uncertain significance for Hereditary cancer-predisposing syndrome. Last evaluated: 2024-10-29. Review status: criteria provided, single submitter. Criteria: ACMG Guidelines, 2015. Collection method: clinical testing. Allele origin: germline.
Comment: This missense variant replaces serine with asparagine at codon 159 of the BARD1 protein. Computational prediction suggests that this variant may not impact protein structure and function. To our knowledge, functional studies have not been reported for this variant. In a large international case-control meta-analysis, this variant was reported in 1/60466 breast cancer cases and 1/53461 controls (PMID: 33471991). This variant has been identified in 1/250976 chromosomes in the general population by the Genome Aggregation Database (gnomAD). The available evidence is insufficient to determine the role of this variant in disease conclusively. Therefore, this variant is classified as a Variant of Uncertain Significance.

Ambry Genetics
Classification: Likely benign for Hereditary cancer-predisposing syndrome. Last evaluated: 2024-10-10. Review status: criteria provided, single submitter. Criteria: Ambry Variant Classification Scheme 2023. Collection method: clinical testing. Allele origin: germline.

GeneDx
Classification: Uncertain significance. Last evaluated: 2024-02-07. Review status: criteria provided, single submitter. Criteria: GeneDx Variant Classification Process June 2021. Collection method: clinical testing. Allele origin: germline. Affected: yes.
Comment: Not observed at significant frequency in large population cohorts (gnomAD); In silico analysis supports that this missense variant does not alter protein structure/function; Observed in individual(s) with breast cancer (PMID: 34326862); This variant is associated with the following publications: (PMID: 34326862)

Women's Health and Genetics/Laboratory Corporation of America, LabCorp
Classification: Uncertain significance. Last evaluated: 2021-01-09. Review status: criteria provided, single submitter. Criteria: LabCorp Variant Classification Summary - May 2015. Collection method: clinical testing. Allele origin: germline.
Comment: Variant summary: BARD1 c.476G>A (p.Ser159Asn) results in a conservative amino acid change in the encoded protein sequence. Five of five in-silico tools predict a benign effect of the variant on protein function. The variant allele was found at a frequency of 4e-06 in 250976 control chromosomes. The available data on variant occurrences in the general population are insufficient to allow any conclusion about variant significance. To our knowledge, no occurrence of c.476G>A in individuals affected with Breast Cancer and no experimental evidence demonstrating its impact on protein function have been reported. Four clinical diagnostic laboratories have submitted clinical-significance assessments for this variant to ClinVar after 2014 without evidence for independent evaluation. All laboratories classified the variant as uncertain significance. Based on the evidence outlined above, the variant was classified as uncertain significance.

Literature cited by the submitters: PubMed 33471991 (cited by Color Diagnostics, LLC DBA Color Health).